The following is an entry in ClinVar:

NM_006420.3(ARFGEF2):c.656dup (p.Val220fs)

Gene: ARFGEF2 (ARF guanine nucleotide exchange factor 2; plus strand). Cytogenetic location: 20q13.13.
Variant type: Duplication.
Coding change: c.656dup on transcript NM_006420.3 (MANE Select); coding-DNA position 656, one base duplicated (C; older notation c.656dupC).
Protein change: p.Val220fs; shifts the reading frame from valine 220.
Molecular consequence: frameshift variant.
Genome position (GRCh38, 1-based): chr20:48,953,608, C duplicated; the last of 4 consecutive C bases (chr20:48,953,605-48,953,608); duplicating any one gives the same sequence. VCF-style (leftmost placement, unchanged base first): chr20-48953604-T-TC. GRCh37 (hg19) VCF-style: chr20-47570141-T-TC.
Other names: short protein forms V220fs.
Identifiers: ClinVar variation 183282 (VCV000183282.2), dbSNP rs730882200, ClinGen allele CA249910.

ClinVar aggregate classification (germline): Pathogenic. Review status: criteria provided, single submitter (1 of 4 stars). 2 submissions from 2 submitters: Pathogenic (1). 1 of the submissions does not count toward it. Last evaluated 2015-03-10.

Conditions:
Global developmental delay (DD). Also called: Cognitive delay. Identifiers: MedGen C0557874, HP:0001263. Disease mechanism: loss of function.
Seizure. Also called: Seizures. Identifiers: MedGen C0036572, HP:0001250.
Hydrocephalus (HYC). Identifiers: MedGen C0020255, MONDO:0001150, HP:0000238.

Submissions (2):

GeneDx
Classification: Pathogenic. Last evaluated: 2015-03-10. Review status: criteria provided, single submitter. Criteria: GeneDx Variant Classification (06012015). Collection method: clinical testing. Allele origin: germline. Affected: yes.
Comment: The c.656dupC variant in the ARFGEF2 gene has not been reported previously as a pathogenic variant nor as a benign polymorphism, to our knowledge. The c.656dupC duplication causes a frameshiftstarting with codon Valine 220, changes this amino acid to a Cysteine residue and creates a premature Stopcodon at position 35 of the new reading frame, denoted p.Val220CysfsX35. This variant is predicted tocause loss of normal protein function either through protein truncation or nonsense-mediated mRNA decay.The c.656dupC variant was not observed in approximately 6,500 individuals of European and AfricanAmerican ancestry in the NHLBI Exome Sequencing Project, indicating it is not a common benign variant inthese populations. We interpret c.656dupC as a pathogenic variant.

Genomic Medicine Center of Excellence, King Faisal Specialist Hospital and Research Centre
Classification: Likely pathogenic for Global developmental delay; Epilepsy; Hydrocephalus. Last evaluated: 2014-12-01. Review status: no assertion criteria provided. Criteria: research. Collection method: research. Allele origin: germline. Affected: yes. Not counted in ClinVar's aggregate classification.

Literature cited by the submitters: PubMed 25558065 (cited by Genomic Medicine Center of Excellence, King Faisal Specialist Hospital and Research Centre).